The following is an entry in ClinVar:

ClinVar aggregate classification (germline): Uncertain significance. Review status: criteria provided, multiple submitters, no conflicts (2 of 4 stars). 3 submissions from 3 submitters: Uncertain significance (3). Last evaluated 2025-10-29.

Conditions:
Oligodontia-cancer predisposition syndrome. Also called: TOOTH AGENESIS-COLORECTAL CANCER SYNDROME. Identifiers: Orphanet 300576, MedGen C1837750, MONDO:0012075, OMIM 608615. Disease mechanism: loss of function.
Hereditary cancer-predisposing syndrome. Also called: Hereditary neoplastic syndrome; Tumor predisposition; Neoplastic Syndromes, Hereditary; Hereditary Cancer Syndrome. Identifiers: Orphanet 140162, MedGen C0027672, MeSH D009386, MONDO:0015356.

Submissions (3):

Labcorp Genetics (formerly Invitae), Labcorp
Classification: Uncertain significance for Oligodontia-cancer predisposition syndrome. Last evaluated: 2025-10-29. Review status: criteria provided, single submitter. Criteria: Invitae Variant Classification Sherloc (09022015). Collection method: clinical testing. Allele origin: germline.
Comment: This variant, c.1206_1208del, results in the deletion of 1 amino acid(s) of the AXIN2 protein (p.Glu403del), but otherwise preserves the integrity of the reading frame. This variant is not present in population databases (gnomAD no frequency). This variant has not been reported in the literature in individuals affected with AXIN2-related conditions. ClinVar contains an entry for this variant (Variation ID: 419927). Experimental studies and prediction algorithms are not available or were not evaluated, and the functional significance of this variant is currently unknown. In summary, the available evidence is currently insufficient to determine the role of this variant in disease. Therefore, it has been classified as a Variant of Uncertain Significance.

Ambry Genetics
Classification: Uncertain significance for Hereditary cancer-predisposing syndrome. Last evaluated: 2023-01-13. Review status: criteria provided, single submitter. Criteria: Ambry Variant Classification Scheme 2023. Collection method: clinical testing. Allele origin: germline.
Comment: The c.1206_1208delAGA variant (also known as p.E403del) is located in coding exon 5 of the AXIN2 gene. This variant results from an in-frame AGA deletion at nucleotide positions 1206 to 1208. This results in the in-frame deletion of a glutamic acid at codon 403. This amino acid position is highly conserved in available vertebrate species. In addition, the in silico prediction for this alteration is inconclusive (Choi Y et al. PLoS ONE. 2012; 7(10):e46688). Since supporting evidence is limited at this time, the clinical significance of this alteration remains unclear.

GeneDx
Classification: Uncertain significance. Last evaluated: 2015-10-27. Review status: criteria provided, single submitter. Criteria: GeneDx Variant Classification (06012015). Collection method: clinical testing. Allele origin: germline. Affected: yes.
Comment: This in-frame deletion of 3 nucleotides in AXIN2 is denoted c.1206_1208delAGA at the cDNA level and p.Glu403del (E403del) at the protein level. The normal sequence, with the bases that are deleted in braces, is ATGA[AGA]GAGA. This deletion of a single Glutamic Acid residue occurs at a position that is not conserved across species and is located in the GSK3-beta binding domain (Hughes 2007). This variant has not, to our knowledge, been published in the literature as pathogenic or benign. Since in-frame deletions may or may not inhibit proper protein functioning, the clinical significance of this finding remains unclear at this time and we consider AXIN2 Glu403del to be a variant of uncertain significance.

NM_004655.4(AXIN2):c.1206_1208del (p.Glu403del)

Gene: AXIN2 (axin 2; minus strand). Cytogenetic location: 17q24.1.
Variant type: Deletion.
Coding change: c.1206_1208del on transcript NM_004655.4 (MANE Select); coding-DNA positions 1206 to 1208, 3 bases deleted (AGA; older notation c.1206_1208delAGA).
Protein change: p.Glu403del; deletes glutamic acid 403.
Molecular consequence: inframe deletion.
Genome position (GRCh38, 1-based): chr17:65,537,828-65,537,830, TCT deleted on the plus strand (AGA on the coding strand, the reverse complement: AXIN2 is on the minus strand); deleting any 3 consecutive bases within chr17:65,537,828-65,537,832 gives the same sequence; the c. name uses the placement nearest the transcript's 3' end. VCF-style (leftmost placement, unchanged base first): chr17-65537827-CTCT-C. GRCh37 (hg19) VCF-style: chr17-63533945-CTCT-C.
Other names: c.1206_1208del, p.Glu403del (NM_001363813.1); c.1206_1208del (LRG_296t1); short protein forms E403del.
Identifiers: ClinVar variation 419927 (VCV000419927.12), dbSNP rs1064794189, ClinGen allele CA16620574.